The following is an entry in ClinVar:

ClinVar aggregate classification (germline): Likely pathogenic (1 of 4 stars; one submission).

Conditions:
Joubert syndrome 21 (JBTS21). Identifiers: MedGen C3810212, MONDO:0014288, OMIM 615636.

Submission:

Labcorp Genetics (formerly Invitae), Labcorp
Classification: Likely pathogenic for Joubert syndrome 21. Last evaluated: 2022-09-02. Review status: criteria provided, single submitter. Criteria: Invitae Variant Classification Sherloc (09022015). Collection method: clinical testing. Allele origin: germline.
Comment: In summary, the currently available evidence indicates that the variant is pathogenic, but additional data are needed to prove that conclusively. Therefore, this variant has been classified as Likely Pathogenic. Algorithms developed to predict the effect of sequence changes on RNA splicing suggest that this variant may disrupt the consensus splice site. This variant has not been reported in the literature in individuals affected with CSPP1-related conditions. This variant is not present in population databases (gnomAD no frequency). This sequence change affects an acceptor splice site in intron 2 of the CSPP1 gene. It is expected to disrupt RNA splicing. Variants that disrupt the donor or acceptor splice site typically lead to a loss of protein function (PMID: 16199547), and loss-of-function variants in CSPP1 are known to be pathogenic (PMID: 24360807, 24360808).

Literature cited by the submitters: PubMed 16199547; PubMed 24360807; PubMed 24360808.

NM_001382391.1(CSPP1):c.100-2A>C

Gene: CSPP1 (centrosome and spindle pole associated protein 1; plus strand). Cytogenetic location: 8q13.1.
Variant type: single nucleotide variant.
Coding change: c.100-2A>C on transcript NM_001382391.1 (MANE Select); the canonical splice acceptor site of the intron before coding-DNA position 100, A replaced by C.
Molecular consequence: splice acceptor variant.
Genome position (GRCh38, 1-based): chr8:67,076,480, A>C. VCF-style: chr8-67076480-A-C. GRCh37 (hg19) VCF-style: chr8-67988715-A-C.
Other names: c.100-2A>C (NM_001363132.2, NM_001363131.2, NM_001363133.2); c.208-2A>C (NM_001364869.1, NM_024790.7, NM_001438331.1 and 3 more transcripts).
Identifiers: ClinVar variation 2028585 (VCV002028585.4), dbSNP rs2488284751, ClinGen allele CA371212003.